The following is an entry in ClinVar:

ClinVar aggregate classification (germline): Uncertain significance (1 of 4 stars; one submission).

Conditions:
Spastic paraplegia. Identifiers: MedGen C0037772, HP:0001258.

Submission:

Labcorp Genetics (formerly Invitae), Labcorp
Classification: Uncertain significance for Spastic paraplegia. Last evaluated: 2018-06-15. Review status: criteria provided, single submitter. Criteria: Invitae Variant Classification Sherloc (09022015). Collection method: clinical testing. Allele origin: germline.
Comment: In summary, the available evidence is currently insufficient to determine the role of this variant in disease. Therefore, it has been classified as a Variant of Uncertain Significance. Other truncations (c.1427delA, known as c.1649delA in the literature, and c.1392dupC, known as c.1614dupC) that lie downstream of this variant have been reported in individuals affected with Allan-Herndon-Dudley syndrome (PMID: 20083155, 17899191, 19936787). This variant has not been reported in the literature in individuals with SLC16A2-related disease. This variant is not present in population databases (ExAC no frequency). This sequence change results in a premature translational stop signal in the SLC16A2 gene (p.Ile460Metfs*33). While this is not anticipated to result in nonsense mediated decay, it is expected to disrupt the last 81 amino acids of the SLC16A2 protein.

Literature cited by the submitters: PubMed 20083155; PubMed 17899191; PubMed 19936787.

NM_006517.5(SLC16A2):c.1380del (p.Ile460fs)

Gene: SLC16A2 (solute carrier family 16 member 2; plus strand). Cytogenetic location: Xq13.2.
Variant type: Deletion.
Coding change: c.1380del on transcript NM_006517.5 (MANE Select); coding-DNA position 1380, one base deleted (T; older notation c.1380delT).
Protein change: p.Ile460fs; shifts the reading frame from isoleucine 460.
Molecular consequence: frameshift variant.
Genome position (GRCh38, 1-based): chrX:74,529,422, T deleted; the last of 2 consecutive T bases (chrX:74,529,421-74,529,422); deleting either gives the same sequence. VCF-style (leftmost placement, unchanged base first): chrX-74529420-AT-A. GRCh37 (hg19) VCF-style: chrX-73749255-AT-A.
Other names: short protein forms I460fs.
Identifiers: ClinVar variation 1018558 (VCV001018558.7), dbSNP rs1930533677, ClinGen allele CA2437509447.